The following is an entry in ClinVar:

ClinVar aggregate classification (germline): Likely benign (1 of 4 stars; one submission).

Allele frequency attached by ClinVar (database versions not stated): 1000 Genomes Project 30x 0.01296; 1000 Genomes Project 0.01338; TOPMed 0.01415; gnomAD 0.01493.
gnomAD v4.1: 2,271 of 152,082 alleles (1.5%); highest among the groups gnomAD compares: East Asian, 3.3%; 15 homozygotes.

Submission:

GeneDx
Classification: Likely benign. Last evaluated: 2021-05-15. Review status: criteria provided, single submitter. Criteria: GeneDx Variant Classification Process June 2021. Collection method: clinical testing. Allele origin: germline. Affected: yes.
Comment: See Variant Classification Assertion Criteria.

NM_001142800.2(EYS):c.6079-216C>T

Gene: EYS (eyes shut homolog; minus strand). Cytogenetic location: 6q12.
Variant type: single nucleotide variant.
Coding change: c.6079-216C>T on transcript NM_001142800.2 (MANE Select); 216 bases into the intron before coding-DNA position 6079, C replaced by T.
Molecular consequence: intron variant.
Genome position (GRCh38, 1-based): chr6:64,307,298, G>A on the plus strand (C>T on the coding strand, the complement: EYS is on the minus strand). VCF-style: chr6-64307298-G-A. GRCh37 (hg19) VCF-style: chr6-65017191-G-A.
Other names: c.6079-216C>T (NM_001292009.2).
Identifiers: ClinVar variation 1707020 (VCV001707020.2), dbSNP rs115886101, ClinGen allele CA140305307.